The following is an entry in ClinVar:

NM_018943.3(TUBA8):c.166A>T (p.Thr56Ser)

Gene: TUBA8 (tubulin alpha 8; plus strand). Cytogenetic location: 22q11.21.
Variant type: single nucleotide variant.
Coding change: c.166A>T on transcript NM_018943.3 (MANE Select); coding-DNA position 166, A replaced by T.
Protein change: p.Thr56Ser; replaces threonine 56 with serine.
Molecular consequence: missense variant. On other transcripts: 5 prime UTR variant (1).
Genome position (GRCh38, 1-based): chr22:18,121,641, A>T. VCF-style: chr22-18121641-A-T. GRCh37 (hg19) VCF-style: chr22-18604408-A-T.
Other names: c.166A>T (NM_018943.2); c.-33A>T (NM_001193414.2); short protein forms T56S.
Identifiers: ClinVar variation 1349344 (VCV001349344.10), dbSNP rs575784867, ClinGen allele CA10093591.

ClinVar aggregate classification (germline): Uncertain significance. Review status: criteria provided, multiple submitters, no conflicts (2 of 4 stars). 2 submissions from 2 submitters: Uncertain significance (2). Last evaluated 2025-09-24.

Allele frequency attached by ClinVar (database versions not stated): gnomAD exomes 0.00002 and 0.00005; gnomAD 0.00005 and 0.00006; TOPMed 0.00005; ExAC 0.00006; 1000 Genomes Project 30x 0.00016; 1000 Genomes Project 0.00020.
gnomAD v4.1: 42 of 1,614,198 alleles (0.0026%); highest among the groups gnomAD compares: South Asian, 0.015%; no homozygotes.

Submissions (2):

Labcorp Genetics (formerly Invitae), Labcorp
Classification: Uncertain significance. Last evaluated: 2025-09-24. Review status: criteria provided, single submitter. Criteria: Invitae Variant Classification Sherloc (09022015). Collection method: clinical testing. Allele origin: germline.
Comment: This sequence change replaces threonine, which is neutral and polar, with serine, which is neutral and polar, at codon 56 of the TUBA8 protein (p.Thr56Ser). This variant is present in population databases (rs575784867, gnomAD 0.03%). This variant has not been reported in the literature in individuals affected with TUBA8-related conditions. ClinVar contains an entry for this variant (Variation ID: 1349344). Invitae Evidence Modeling of protein sequence and biophysical properties (such as structural, functional, and spatial information, amino acid conservation, physicochemical variation, residue mobility, and thermodynamic stability) indicates that this missense variant is not expected to disrupt TUBA8 protein function with a negative predictive value of 80%. In summary, the available evidence is currently insufficient to determine the role of this variant in disease. Therefore, it has been classified as a Variant of Uncertain Significance.

Ambry Genetics
Classification: Uncertain significance. Last evaluated: 2025-01-02. Review status: criteria provided, single submitter. Criteria: Ambry Variant Classification Scheme 2023. Collection method: clinical testing. Allele origin: germline.